The following is an entry in ClinVar:

ClinVar aggregate classification (germline): Likely benign (1 of 4 stars; one submission).

gnomAD v4.1: 1 of 1,613,978 alleles (0.000062%); highest among the groups gnomAD compares: Non-Finnish European, 0.000085%; no homozygotes.

Submission:

GeneDx
Classification: Likely benign. Last evaluated: 2025-06-13. Review status: criteria provided, single submitter. Criteria: GeneDx Variant Classification Process June 2021. Collection method: clinical testing. Allele origin: germline. Affected: yes.
Comment: See Variant Classification Assertion Criteria.

NM_001190274.2(FBXO11):c.266A>C (p.Glu89Ala)

Gene: FBXO11 (F-box protein 11; minus strand). Cytogenetic location: 2p16.3.
Variant type: single nucleotide variant.
Coding change: c.266A>C on transcript NM_001190274.2 (MANE Select); coding-DNA position 266, A replaced by C.
Protein change: p.Glu89Ala; replaces glutamic acid 89 with alanine.
Molecular consequence: missense variant.
Genome position (GRCh38, 1-based): chr2:47,839,736, T>G on the plus strand (A>C on the coding strand, the complement: FBXO11 is on the minus strand). VCF-style: chr2-47839736-T-G. GRCh37 (hg19) VCF-style: chr2-48066875-T-G.
Other names: c.14A>C, p.Glu5Ala (NM_001374325.1, NM_025133.4); short protein forms E5A, E89A.
Identifiers: ClinVar variation 4538077 (VCV004538077.1).
Genomic context (GRCh38, chr2:47,839,736, plus strand): 5'-TTCGGCAAAAGAGTTTTTCTACGAAGTTGGTATGGACTATTTTGTGCACCAGGACCTGAT[T>G]CTTCTGCAACCATATCTGCAGGCACATCATCATCTGTTATAAACAAAAGCAATAAGAAAA-3'
Protein context (NP_001177203.1, residues 79-99): DDVPADMVAE[Glu89Ala]SGPGAQNSPY